The following is an entry in ClinVar:

ClinVar aggregate classification (germline): Uncertain significance (1 of 4 stars; one submission).

gnomAD v4.1: 5 of 1,613,780 alleles (0.00031%); highest among the groups gnomAD compares: East Asian, 0.011%; no homozygotes.

Submission:

Labcorp Genetics (formerly Invitae), Labcorp
Classification: Uncertain significance. Last evaluated: 2025-10-13. Review status: criteria provided, single submitter. Criteria: Invitae Variant Classification Sherloc (09022015). Collection method: clinical testing. Allele origin: germline.
Comment: This sequence change replaces leucine, which is neutral and non-polar, with valine, which is neutral and non-polar, at codon 1308 of the DUOX2 protein (p.Leu1308Val). This variant is present in population databases (no rsID available, gnomAD 0.02%). This variant has not been reported in the literature in individuals affected with DUOX2-related conditions. Invitae Evidence Modeling of protein sequence and biophysical properties (such as structural, functional, and spatial information, amino acid conservation, physicochemical variation, residue mobility, and thermodynamic stability) indicates that this missense variant is not expected to disrupt DUOX2 protein function with a negative predictive value of 80%. In summary, the available evidence is currently insufficient to determine the role of this variant in disease. Therefore, it has been classified as a Variant of Uncertain Significance.

NM_001363711.2(DUOX2):c.3922C>G (p.Leu1308Val)

Gene: DUOX2 (dual oxidase 2; minus strand). Cytogenetic location: 15q21.1.
Variant type: single nucleotide variant.
Coding change: c.3922C>G on transcript NM_001363711.2 (MANE Select); coding-DNA position 3922, C replaced by G.
Protein change: p.Leu1308Val; replaces leucine 1308 with valine.
Molecular consequence: missense variant.
Genome position (GRCh38, 1-based): chr15:45,095,986, G>C on the plus strand (C>G on the coding strand, the complement: DUOX2 is on the minus strand). VCF-style: chr15-45095986-G-C. GRCh37 (hg19) VCF-style: chr15-45388184-G-C.
Other names: c.3922C>G, p.Leu1308Val (NM_014080.5); short protein forms L1308V.
Identifiers: ClinVar variation 4801117 (VCV004801117.1).
Genomic context (GRCh38, chr15:45,095,986, plus strand): 5'-TGTCCTCATGGGGCGCGGAGGTCAGTGTGAAGGGGTGGTACTCGGTGGTCCCCAGAGCCA[G>C]GCAGGCGATCCGCACCCACTGTCCTGACTTGTACTCAAAGCCTTGGGGCCTCTGGAATTG-3'
Protein context (NP_001350640.1, residues 1298-1318): KSGQWVRIAC[Leu1308Val]ALGTTEYHPF